The following is an entry in ClinVar:

ClinVar aggregate classification (germline): Likely benign. Review status: criteria provided, multiple submitters, no conflicts (2 of 4 stars). 2 submissions from 2 submitters: Likely benign (2). Last evaluated 2026-07-01.

Conditions:
Norman-Roberts syndrome (LIS2). Also called: Lissencephaly 2 (Norman-Roberts type). Identifiers: Orphanet 89844, MedGen C0796089, MONDO:0009760, OMIM 257320.
Familial temporal lobe epilepsy 7. Identifiers: Orphanet 101046, MedGen C4225327, MONDO:0014639, OMIM 616436.

Allele frequency attached by ClinVar (database versions not stated): gnomAD 0.00001; gnomAD exomes 0.00001 and 0.00002; TOPMed 0.00001; ExAC 0.00002.
gnomAD v4.1: 18 of 1,613,966 alleles (0.0011%); highest among the groups gnomAD compares: South Asian, 0.013%; 1 homozygote.

Submissions (2):

CeGaT Center for Human Genetics Tuebingen
Classification: Likely benign. Last evaluated: 2026-07-01. Review status: criteria provided, single submitter. Criteria: CeGaT Center For Human Genetics Tuebingen Variant Classification Criteria Version 2. Collection method: clinical testing. Allele origin: germline. Affected: yes. Observed: 1 variant allele.
Comment: RELN: BS2

Labcorp Genetics (formerly Invitae), Labcorp
Classification: Likely benign for Familial temporal lobe epilepsy 7; Norman-Roberts syndrome. Last evaluated: 2023-07-07. Review status: criteria provided, single submitter. Criteria: Invitae Variant Classification Sherloc (09022015). Collection method: clinical testing. Allele origin: germline.

NM_005045.4(RELN):c.7915C>T (p.Arg2639Cys)

Gene: RELN (reelin; minus strand). Cytogenetic location: 7q22.1.
Variant type: single nucleotide variant.
Coding change: c.7915C>T on transcript NM_005045.4 (MANE Select); coding-DNA position 7915, C replaced by T.
Protein change: p.Arg2639Cys; replaces arginine 2639 with cysteine.
Molecular consequence: missense variant.
Genome position (GRCh38, 1-based): chr7:103,515,389, G>A on the plus strand (C>T on the coding strand, the complement: RELN is on the minus strand). VCF-style: chr7-103515389-G-A. GRCh37 (hg19) VCF-style: chr7-103155836-G-A.
Other names: c.7915C>T, p.Arg2639Cys (NM_173054.3); short protein forms R2639C.
Identifiers: ClinVar variation 475988 (VCV000475988.11), dbSNP rs770944264, ClinGen allele CA4420608.